The following is an entry in ClinVar:

NM_001130438.3(SPTAN1):c.367C>T (p.Arg123Cys)

Gene: SPTAN1 (spectrin alpha, non-erythrocytic 1; plus strand). Cytogenetic location: 9q34.11.
Variant type: single nucleotide variant.
Coding change: c.367C>T on transcript NM_001130438.3 (MANE Select); coding-DNA position 367, C replaced by T.
Protein change: p.Arg123Cys; replaces arginine 123 with cysteine.
Molecular consequence: missense variant.
Genome position (GRCh38, 1-based): chr9:128,574,678, C>T. VCF-style: chr9-128574678-C-T. GRCh37 (hg19) VCF-style: chr9-131336957-C-T.
Other names: c.367C>T, p.Arg123Cys (NM_001195532.2, NM_001363759.2, NM_001363765.2 and 10 more transcripts); c.403C>T, p.Arg135Cys (NM_001375312.2, NM_001375318.1, NM_001438440.1); short protein forms R123C, R135C.
Identifiers: ClinVar variation 4738109 (VCV004738109.1).
Genomic context (GRCh38, chr9:128,574,678, plus strand): 5'-GCCAGATCCCACAGAGCCAGTTGTGATCTGATTAAAACTCTGATTTGAAACTTTCAGACC[C>T]GTTTGATGGAGCTGCACCGCCAGTGGGAATTACTTTTGGAGAAGATGCGAGAAAAAGGAA-3'
Protein context (NP_001123910.1, residues 113-133): GHFASETIRT[Arg123Cys]LMELHRQWEL

ClinVar aggregate classification (germline): Uncertain significance (1 of 4 stars; one submission).

Conditions:
Early-infantile DEE. Also called: Early infantile epileptic encephalopathy; Early infantile epileptic encephalopathy with suppression bursts; Ohtahara syndrome. Identifiers: Orphanet 1934, MedGen C0393706, MONDO:0800491.

gnomAD v4.1: 6 of 1,614,108 alleles (0.00037%); highest among the groups gnomAD compares: East Asian, 0.0022%; no homozygotes.

Submission:

Labcorp Genetics (formerly Invitae), Labcorp
Classification: Uncertain significance for Early-infantile DEE. Last evaluated: 2025-09-27. Review status: criteria provided, single submitter. Criteria: Invitae Variant Classification Sherloc (09022015). Collection method: clinical testing. Allele origin: germline.
Comment: This sequence change replaces arginine, which is basic and polar, with cysteine, which is neutral and slightly polar, at codon 123 of the SPTAN1 protein (p.Arg123Cys). This variant is present in population databases (rs769857503, gnomAD 0.006%). This variant has not been reported in the literature in individuals affected with SPTAN1-related conditions. Invitae Evidence Modeling of protein sequence and biophysical properties (such as structural, functional, and spatial information, amino acid conservation, physicochemical variation, residue mobility, and thermodynamic stability) has been performed for this missense variant. However, the output from this modeling did not meet the statistical confidence thresholds required to predict the impact of this variant on SPTAN1 protein function. In summary, the available evidence is currently insufficient to determine the role of this variant in disease. Therefore, it has been classified as a Variant of Uncertain Significance.